The following is an entry in ClinVar:

NM_030777.4(SLC2A10):c.137A>G (p.Glu46Gly)

Gene: SLC2A10 (solute carrier family 2 member 10; plus strand). Cytogenetic location: 20q13.12.
Variant type: single nucleotide variant.
Coding change: c.137A>G on transcript NM_030777.4 (MANE Select); coding-DNA position 137, A replaced by G.
Protein change: p.Glu46Gly; replaces glutamic acid 46 with glycine.
Molecular consequence: missense variant.
Genome position (GRCh38, 1-based): chr20:46,725,173, A>G. VCF-style: chr20-46725173-A-G. GRCh37 (hg19) VCF-style: chr20-45353812-A-G.
Other names: c.137A>G (NM_030777.3); short protein forms E46G.
Identifiers: ClinVar variation 1359978 (VCV001359978.8), dbSNP rs756331165, ClinGen allele CA9891920.

ClinVar aggregate classification (germline): Uncertain significance. Review status: criteria provided, multiple submitters, no conflicts (2 of 4 stars). 2 submissions from 2 submitters: Uncertain significance (2). Last evaluated 2025-02-09.

Conditions:
Arterial tortuosity syndrome (ATORS). Identifiers: Orphanet 3342, MedGen C1859726, MONDO:0008818, OMIM 208050.
Familial thoracic aortic aneurysm and aortic dissection (TAAD). Also called: Thoracic aortic aneurysms and dissections. Identifiers: Orphanet 91387, MedGen C4707243, MONDO:0019625.

Allele frequency attached by ClinVar (database versions not stated): gnomAD exomes below 0.00001 and 0.00001; ExAC 0.00001.
gnomAD v4.1: 10 of 1,614,106 alleles (0.00062%); highest among the groups gnomAD compares: Non-Finnish European, 0.00085%; no homozygotes.

Submissions (2):

Ambry Genetics
Classification: Uncertain significance for Familial thoracic aortic aneurysm and aortic dissection. Last evaluated: 2025-02-09. Review status: criteria provided, single submitter. Criteria: Ambry Variant Classification Scheme 2023. Collection method: clinical testing. Allele origin: germline.
Comment: The p.E46G variant (also known as c.137A>G), located in coding exon 2 of the SLC2A10 gene, results from an A to G substitution at nucleotide position 137. The glutamic acid at codon 46 is replaced by glycine, an amino acid with similar properties. This amino acid position is not well conserved in available vertebrate species. In addition, this alteration is predicted to be tolerated by in silico analysis. Since supporting evidence is limited at this time, the clinical significance of this alteration remains unclear.

Labcorp Genetics (formerly Invitae), Labcorp
Classification: Uncertain significance for Arterial tortuosity syndrome. Last evaluated: 2024-05-22. Review status: criteria provided, single submitter. Criteria: Invitae Variant Classification Sherloc (09022015). Collection method: clinical testing. Allele origin: germline.
Comment: This sequence change replaces glutamic acid, which is acidic and polar, with glycine, which is neutral and non-polar, at codon 46 of the SLC2A10 protein (p.Glu46Gly). This variant is present in population databases (rs756331165, gnomAD 0.0009%). This variant has not been reported in the literature in individuals affected with SLC2A10-related conditions. ClinVar contains an entry for this variant (Variation ID: 1359978). Advanced modeling of protein sequence and biophysical properties (such as structural, functional, and spatial information, amino acid conservation, physicochemical variation, residue mobility, and thermodynamic stability) performed at Invitae indicates that this missense variant is not expected to disrupt SLC2A10 protein function with a negative predictive value of 95%. In summary, the available evidence is currently insufficient to determine the role of this variant in disease. Therefore, it has been classified as a Variant of Uncertain Significance.